The following is an entry in ClinVar:

NM_001943.5(DSG2):c.1997A>T (p.Asp666Val)

Gene: DSG2 (desmoglein 2; plus strand). Cytogenetic location: 18q12.1.
Variant type: single nucleotide variant.
Coding change: c.1997A>T on transcript NM_001943.5 (MANE Select); coding-DNA position 1997, A replaced by T.
Protein change: p.Asp666Val; replaces aspartic acid 666 with valine.
Molecular consequence: missense variant.
Genome position (GRCh38, 1-based): chr18:31,541,310, A>T. VCF-style: chr18-31541310-A-T. GRCh37 (hg19) VCF-style: chr18-29121273-A-T.
Other names: short protein forms D666V.
Identifiers: ClinVar variation 3363710 (VCV003363710.1).
Genomic context (GRCh38, chr18:31,541,310, plus strand): 5'-CCATACCTGGCACCATAGAGATGCTGCATCCTTGGAATAATGAAGGAGCACCACCTGAAG[A>T]CAAGGTCAGTGGATCAGATGTCAATATGACTTGTCTTCTTCTTGGGTTTTAAAGGGGCCT-3'
Protein context (NP_001934.2, residues 656-676): PWNNEGAPPE[Asp666Val]KVVPSFLPVD

ClinVar aggregate classification (germline): Uncertain significance (1 of 4 stars; one submission).

Submission:

GeneDx
Classification: Uncertain significance. Last evaluated: 2023-11-02. Review status: criteria provided, single submitter. Criteria: GeneDx Variant Classification Process June 2021. Collection method: clinical testing. Allele origin: germline. Affected: yes.
Comment: Has not been previously published as pathogenic or benign to our knowledge; Not observed at significant frequency in large population cohorts (gnomAD); In silico analysis supports that this missense variant has a deleterious effect on protein structure/function